The following is an entry in ClinVar:

NM_000397.4(CYBB):c.45+2del

Genes: CYBB (cytochrome b-245 beta chain; plus strand), LOC130068093 (ATAC-STARR-seq lymphoblastoid active region 29519; plus strand). Cytogenetic location: Xp21.1.
Variant type: Deletion.
Coding change: c.45+2del on transcript NM_000397.4 (MANE Select); the canonical splice donor site of the intron after coding-DNA position 45, one base deleted (T; older notation c.45+2delT).
Molecular consequence: splice donor variant.
Genome position (GRCh38, 1-based): chrX:37,780,124, T deleted. VCF-style (leftmost placement, unchanged base first): chrX-37780123-GT-G. GRCh37 (hg19) VCF-style: chrX-37639376-GT-G.
Other names: c.45+2delT (NM_000397.3).
Identifiers: ClinVar variation 664743 (VCV000664743.7), dbSNP rs1602173465, ClinGen allele CA915950919.

ClinVar aggregate classification (germline): Likely pathogenic (1 of 4 stars; one submission).

Conditions:
Granulomatous disease, chronic, X-linked. Also called: CYTOCHROME b-NEGATIVE GRANULOMATOUS DISEASE, CHRONIC, X-LINKED; GRANULOMATOUS DISEASE, CHRONIC, X-LINKED, SOMATIC MOSAIC. Identifiers: Orphanet 379, MedGen C1844376, MONDO:0010600, OMIM 306400.

Submission:

Labcorp Genetics (formerly Invitae), Labcorp
Classification: Likely pathogenic for Granulomatous disease, chronic, X-linked. Last evaluated: 2018-08-26. Review status: criteria provided, single submitter. Criteria: Invitae Variant Classification Sherloc (09022015). Collection method: clinical testing. Allele origin: germline.
Comment: This sequence change affects a donor splice site in intron 1 of the CYBB gene. It is expected to disrupt RNA splicing and likely results in an absent or disrupted protein product. In summary, the currently available evidence indicates that the variant is pathogenic, but additional data are needed to prove that conclusively. Therefore, this variant has been classified as Likely Pathogenic. Donor and acceptor splice site variants typically lead to a loss of protein function (PMID: 16199547), and loss-of-function variants in CYBB are known to be pathogenic (PMID: 9585602, 20729109). This variant has not been reported in the literature in individuals with CYBB-related disease. This variant is not present in population databases (ExAC no frequency).

Literature cited by the submitters: PubMed 16199547; PubMed 9585602; PubMed 20729109.